The following is an entry in ClinVar:

NM_130466.4(UBE3B):c.2228_2229del (p.Val742_Phe743insTer)

Gene: UBE3B (ubiquitin protein ligase E3B; plus strand). Cytogenetic location: 12q24.11.
Variant type: Deletion.
Coding change: c.2228_2229del on transcript NM_130466.4 (MANE Select); coding-DNA positions 2228 to 2229, 2 bases deleted (TT; older notation c.2228_2229delTT).
Protein change: p.Val742_Phe743insTer.
Molecular consequence: nonsense.
Genome position (GRCh38, 1-based): chr12:109,521,299-109,521,300, TT deleted; deleting any 2 consecutive bases within chr12:109,521,296-109,521,300 gives the same sequence; the c. name uses the placement nearest the transcript's 3' end. VCF-style (leftmost placement, unchanged base first): chr12-109521295-GTT-G. GRCh37 (hg19) VCF-style: chr12-109959100-GTT-G.
Other names: c.2228_2229del, p.Val742_Phe743insTer (NM_183415.3).
Identifiers: ClinVar variation 1032375 (VCV001032375.1), dbSNP rs758821239, ClinGen allele CA6778144.
Genomic context (GRCh38, chr12:109,521,295, plus strand): 5'-GAAGCAGGGATTGATCAAGACGGTGTTTTTAAGGAGTTCTTGGAAGAGATCATCAAGAGA[GTT>G]TTTGACCCAGCACTCAATCTGTTCAAGGTATTTAAGGGGAGCAACAGCAGGGCTGACAGC-3'

ClinVar aggregate classification (germline): Pathogenic (1 of 4 stars; one submission).

Conditions:
Oculocerebrofacial syndrome, Kaufman type. Also called: Blepharophimosis-ptosis-intellectual disability syndrome. Identifiers: Orphanet 2707, MedGen C1855663, MONDO:0009485, OMIM 244450.

Submission:

Baylor Genetics
Classification: Pathogenic for Oculocerebrofacial syndrome, Kaufman type. Last evaluated: 2018-09-10. Review status: criteria provided, single submitter. Criteria: ACMG Guidelines, 2015. Collection method: clinical testing. Allele origin: maternal. Affected: yes.
Comment: This variant was determined to be pathogenic according to ACMG Guidelines, 2015 [PMID:25741868].